The following is an entry in ClinVar:

NM_177438.3(DICER1):c.1423A>T (p.Ser475Cys)

Gene: DICER1 (dicer 1, ribonuclease III; minus strand). Cytogenetic location: 14q32.13.
Variant type: single nucleotide variant.
Coding change: c.1423A>T on transcript NM_177438.3 (MANE Select); coding-DNA position 1423, A replaced by T.
Protein change: p.Ser475Cys; replaces serine 475 with cysteine.
Molecular consequence: missense variant.
Genome position (GRCh38, 1-based): chr14:95,117,708, T>A on the plus strand (A>T on the coding strand, the complement: DICER1 is on the minus strand). VCF-style: chr14-95117708-T-A. GRCh37 (hg19) VCF-style: chr14-95584045-T-A.
Other names: NM_177438.3(DICER1):c.1423A>T; p.Ser475Cys; c.1423A>T, p.Ser475Cys (NM_001195573.1, NM_001271282.3, NM_001291628.2 and 1 more transcripts); short protein forms S475C.
Identifiers: ClinVar variation 412056 (VCV000412056.20), dbSNP rs1060503594, ClinGen allele CA16614383.

ClinVar aggregate classification (germline): Uncertain significance. Review status: reviewed by expert panel (3 of 4 stars). 6 submissions from 6 submitters: Uncertain significance (1). 5 of the submissions do not count toward it. Last evaluated 2026-06-23.

Conditions:
DICER1-related tumor predisposition. Also called: DICER1 syndrome; DICER1-related pleuropulmonary blastoma cancer predisposition syndrome. Identifiers: Orphanet 284343, MedGen C3839822, MONDO:0100216.
Hereditary cancer-predisposing syndrome. Also called: Hereditary Cancer Syndrome; Tumor predisposition; Hereditary neoplastic syndrome; Neoplastic Syndromes, Hereditary. Identifiers: Orphanet 140162, MedGen C0027672, MeSH D009386, MONDO:0015356.
Global developmental delay - lung cysts - overgrowth - Wilms tumor syndrome. Also called: GLOW Syndrome; GLOBAL DEVELOPMENTAL DELAY, LUNG CYSTS, OVERGROWTH, AND WILMS TUMOR. Identifiers: Orphanet 404476, MedGen C4748924, MONDO:0018445, OMIM 618272.

Allele frequency attached by ClinVar (database versions not stated): gnomAD exomes below 0.00001; TOPMed 0.00001; gnomAD 0.00002.
gnomAD v4.1: 12 of 1,613,764 alleles (0.00074%); highest among the groups gnomAD compares: African/African-American, 0.0027%; no homozygotes.

Submissions (6):

ClinGen DICER1 and miRNA-Processing Gene Variant Curation Expert Panel, ClinGen
Classification: Uncertain significance for DICER1-related tumor predisposition. Last evaluated: 2026-06-23. Review status: reviewed by expert panel. Criteria: ClinGen DICER1 ACMG Specifications DICER1 V1.4.0. Collection method: curation. Allele origin: germline. Inheritance: Autosomal dominant inheritance.
Comment: The NM_177438.3(DICER1):c.1423A>T variant in DICER1 is a missense variant predicted replace serine with cysteine at codon 475 (p.Ser475Cys). The total allele frequency in gnomAD v4.1.0 is 0.000007436 (12/1613764 alleles) with a highest population minor allele frequency of 0.00002670 (2/74916 alleles) in the African American population and with multiple alleles present in the European non-Finnish population (PM2_Supporting, BS1, and BA1 are not met). This variant has been seen in 10 or more unrelated females without tumors through age 50 in at least one testing laboratory (BS2_Supporting; Internal lab contributors). In summary, this variant meets the criteria to be classified as Uncertain Significance for DICER1 syndrome based on the ACMG/AMP criteria applied, as specified by the ClinGen DICER1 VCEP: BS2_Supporting. (Bayesian Points: -1; VCEP specifications version 1.4.0; 06/23/2026).

Ambry Genetics
Classification: Uncertain significance for Hereditary cancer-predisposing syndrome. Last evaluated: 2026-06-09. Review status: criteria provided, single submitter. Criteria: Ambry Variant Classification Scheme 2023. Collection method: clinical testing. Allele origin: germline. Not counted in ClinVar's aggregate classification.
Comment: The p.S475C variant (also known as c.1423A>T), located in coding exon 8 of the DICER1 gene, results from an A to T substitution at nucleotide position 1423. The serine at codon 475 is replaced by cysteine, an amino acid with dissimilar properties. This variant was detected as heterozygous in individual(s) with no reported features of DICER1-related tumor predisposition (Ambry internal data). This amino acid position is highly conserved in available vertebrate species. In addition, the in silico prediction for this alteration is inconclusive. Based on the available evidence, the clinical significance of this variant remains unclear.

Labcorp Genetics (formerly Invitae), Labcorp
Classification: Likely benign for DICER1-related tumor predisposition. Last evaluated: 2026-01-17. Review status: criteria provided, single submitter. Criteria: Invitae Variant Classification Sherloc (09022015). Collection method: clinical testing. Allele origin: germline. Not counted in ClinVar's aggregate classification.

Institute for Genomic Medicine (IGM) Clinical Laboratory, Nationwide Children's Hospital
Classification: Uncertain significance for DICER1-related tumor predisposition. Last evaluated: 2024-11-12. Review status: criteria provided, single submitter. Criteria: ACMG Guidelines, 2015. Collection method: clinical testing. Allele origin: germline. Not counted in ClinVar's aggregate classification.
Comment: This variant is absent from or present at an exceedingly low frequency in gnomAD, a large-scale control population database (ACMG/AMP: PM2).

Baylor Genetics
Classification: Uncertain significance for Global developmental delay - lung cysts - overgrowth - Wilms tumor syndrome. Last evaluated: 2024-02-17. Review status: criteria provided, single submitter. Criteria: ACMG Guidelines, 2015. Collection method: clinical testing. Allele origin: unknown. Not counted in ClinVar's aggregate classification.

GeneDx
Classification: Uncertain significance. Last evaluated: 2022-09-08. Review status: criteria provided, single submitter. Criteria: GeneDx Variant Classification Process June 2021. Collection method: clinical testing. Allele origin: germline. Affected: yes. Not counted in ClinVar's aggregate classification.
Comment: Not observed at significant frequency in large population cohorts (gnomAD); In silico analysis supports that this missense variant has a deleterious effect on protein structure/function; Has not been previously published as pathogenic or benign to our knowledge